The following is an entry in ClinVar:

ClinVar aggregate classification (germline): Uncertain significance. Review status: criteria provided, multiple submitters, no conflicts (2 of 4 stars). 2 submissions from 2 submitters: Uncertain significance (2). Last evaluated 2021-09-08.

Conditions:
Microcephaly, normal intelligence and immunodeficiency (NBS). Also called: Ataxia telangiectasia variant V1; IMMUNODEFICIENCY, MICROCEPHALY, AND CHROMOSOMAL INSTABILITY; Immunodeficiency, microcephaly with normal intelligence; BERLIN BREAKAGE SYNDROME; SEEMANOVA SYNDROME II; Nijmegen breakage syndrome. Identifiers: Orphanet 647, MedGen C0398791, MONDO:0009623, OMIM 251260.

Submissions (2):

Labcorp Genetics (formerly Invitae), Labcorp
Classification: Uncertain significance for Microcephaly, normal intelligence and immunodeficiency. Last evaluated: 2021-09-08. Review status: criteria provided, single submitter. Criteria: Invitae Variant Classification Sherloc (09022015). Collection method: clinical testing. Allele origin: germline.
Comment: In summary, the available evidence is currently insufficient to determine the role of this variant in disease. Therefore, it has been classified as a Variant of Uncertain Significance. Algorithms developed to predict the effect of missense changes on protein structure and function are either unavailable or do not agree on the potential impact of this missense change (SIFT: "Tolerated"; PolyPhen-2: "Possibly Damaging"; Align-GVGD: "Class C0"). ClinVar contains an entry for this variant (Variation ID: 1191158). This variant has not been reported in the literature in individuals affected with NBN-related conditions. This variant is not present in population databases (ExAC no frequency). This sequence change replaces threonine with serine at codon 148 of the NBN protein (p.Thr148Ser). The threonine residue is highly conserved and there is a small physicochemical difference between threonine and serine.

GeneDx
Classification: Uncertain significance. Last evaluated: 2019-10-29. Review status: criteria provided, single submitter. Criteria: GeneDx Variant Classification Process June 2021. Collection method: clinical testing. Allele origin: germline. Affected: yes.
Comment: Not observed in large population cohorts (Lek 2016); In silico analysis, which includes protein predictors and evolutionary conservation, supports a deleterious effect; Has not been previously published as pathogenic or benign to our knowledge

NM_002485.5(NBN):c.442A>T (p.Thr148Ser)

Gene: NBN (nibrin; minus strand). Cytogenetic location: 8q21.3.
Variant type: single nucleotide variant.
Coding change: c.442A>T on transcript NM_002485.5 (MANE Select); coding-DNA position 442, A replaced by T.
Protein change: p.Thr148Ser; replaces threonine 148 with serine.
Molecular consequence: missense variant.
Genome position (GRCh38, 1-based): chr8:89,980,772, T>A on the plus strand (A>T on the coding strand, the complement: NBN is on the minus strand). VCF-style: chr8-89980772-T-A. GRCh37 (hg19) VCF-style: chr8-90993000-T-A.
Other names: c.196A>T, p.Thr66Ser (NM_001024688.3); short protein forms T148S, T66S.
Identifiers: ClinVar variation 1191158 (VCV001191158.8), dbSNP rs1060503479, ClinGen allele CA371661659.